The following is an entry in ClinVar:

NM_001364905.1(LRBA):c.3044C>G (p.Ser1015Cys)

Gene: LRBA (LPS responsive beige-like anchor protein; minus strand). Cytogenetic location: 4q31.3.
Variant type: single nucleotide variant.
Coding change: c.3044C>G on transcript NM_001364905.1 (MANE Select); coding-DNA position 3044, C replaced by G.
Protein change: p.Ser1015Cys; replaces serine 1015 with cysteine.
Molecular consequence: missense variant.
Genome position (GRCh38, 1-based): chr4:150,852,666, G>C on the plus strand (C>G on the coding strand, the complement: LRBA is on the minus strand). VCF-style: chr4-150852666-G-C. GRCh37 (hg19) VCF-style: chr4-151773818-G-C.
Other names: c.3044C>G, p.Ser1015Cys (NM_001199282.3, NM_001367550.1, NM_006726.5); short protein forms S1015C.
Identifiers: ClinVar variation 2192751 (VCV002192751.4), dbSNP rs1207359058, ClinGen allele CA358459856.

ClinVar aggregate classification (germline): Uncertain significance (1 of 4 stars; one submission).

Conditions:
Combined immunodeficiency due to LRBA deficiency. Also called: Common variable immunodeficiency 8, with autoimmunity. Identifiers: Orphanet 445018, MedGen C3553512, MONDO:0013863, OMIM 614700.

Allele frequency attached by ClinVar (database versions not stated): gnomAD exomes below 0.00001; TOPMed below 0.00001; gnomAD 0.00001.
gnomAD v4.1: 6 of 1,613,928 alleles (0.00037%); highest among the groups gnomAD compares: South Asian, 0.0055%; no homozygotes.

Submission:

Labcorp Genetics (formerly Invitae), Labcorp
Classification: Uncertain significance for Combined immunodeficiency due to LRBA deficiency. Last evaluated: 2022-02-27. Review status: criteria provided, single submitter. Criteria: Invitae Variant Classification Sherloc (09022015). Collection method: clinical testing. Allele origin: germline.
Comment: This sequence change replaces serine, which is neutral and polar, with cysteine, which is neutral and slightly polar, at codon 1015 of the LRBA protein (p.Ser1015Cys). In summary, the available evidence is currently insufficient to determine the role of this variant in disease. Therefore, it has been classified as a Variant of Uncertain Significance. Algorithms developed to predict the effect of missense changes on protein structure and function are either unavailable or do not agree on the potential impact of this missense change (SIFT: "Deleterious"; PolyPhen-2: "Possibly Damaging"; Align-GVGD: "Class C0"). This variant has not been reported in the literature in individuals affected with LRBA-related conditions. This variant is present in population databases (no rsID available, gnomAD 0.006%).